The following is an entry in ClinVar:

NM_001286.5(CLCN6):c.1607T>A (p.Met536Lys)

Gene: CLCN6 (Cl-/H+ antiporter 6; plus strand). Cytogenetic location: 1p36.22.
Variant type: single nucleotide variant.
Coding change: c.1607T>A on transcript NM_001286.5 (MANE Select); coding-DNA position 1607, T replaced by A.
Protein change: p.Met536Lys; replaces methionine 536 with lysine.
Molecular consequence: missense variant. On other transcripts: non-coding transcript variant (1).
Genome position (GRCh38, 1-based): chr1:11,834,316, T>A. VCF-style: chr1-11834316-T-A. GRCh37 (hg19) VCF-style: chr1-11894373-T-A.
Other names: c.1541T>A, p.Met514Lys (NM_001256959.2); short protein forms M514K, M536K.
Identifiers: ClinVar variation 5020178 (VCV005020178.1).
Genomic context (GRCh38, chr1:11,834,316, plus strand): 5'-TCTATTCGGGGACCTTTGCCCTGATTGGTGCAGCGGCTTTCTTGGGCGGGGTGGTCCGCA[T>A]GACCATCAGCCTCACGGTCATCCTGATCGAGTCCACCAATGAGATCACCTACGGGCTCCC-3'
Protein context (NP_001277.2, residues 526-546): AAAFLGGVVR[Met536Lys]TISLTVILIE

ClinVar aggregate classification (germline): Uncertain significance (1 of 4 stars; one submission).

Submission:

Dasa
Classification: Uncertain significance. Last evaluated: 2026-08-11. Review status: criteria provided, single submitter. Criteria: DASA Assertion Criteria. Collection method: clinical testing. Allele origin: germline.
Comment: NM_001286.5(CLCN6):c.1607T>A (p.Met536Lys) is a missense variant that results in the substitution of methionine with lysine. This variant is rare in population databases. Computational prediction algorithms are consistent with a deleterious effect. The currently available literature and clinical evidence are not sufficient to establish a definitive association between this variant and the reported condition. Therefore, this variant is classified as a variant of uncertain significance.